The following is an entry in ClinVar:

ClinVar aggregate classification (germline): Uncertain significance. Review status: criteria provided, multiple submitters, no conflicts (2 of 4 stars). 3 submissions from 3 submitters: Uncertain significance (3). Last evaluated 2025-10-23.

Conditions:
PCNT-related disorder. Also called: PCNT-related condition.
Inborn genetic diseases. Identifiers: MedGen C0950123, MeSH D030342.

Allele frequency attached by ClinVar (database versions not stated): gnomAD exomes 0.00001 and 0.00007; ExAC 0.00002; gnomAD 0.00002; TOPMed 0.00003; ESP Exome Variant Server 0.00008.
gnomAD v4.1: 98 of 1,614,076 alleles (0.0061%); highest among the groups gnomAD compares: Middle Eastern, 0.016%; no homozygotes.

Submissions (3):

Ambry Genetics
Classification: Uncertain significance for Inborn genetic diseases. Last evaluated: 2025-10-23. Review status: criteria provided, single submitter. Criteria: Ambry Variant Classification Scheme 2023. Collection method: clinical testing. Allele origin: germline.

PreventionGenetics, part of Exact Sciences
Classification: Uncertain significance for PCNT-related condition. Last evaluated: 2025-07-02. Review status: criteria provided, single submitter. Criteria: ACMG Guidelines, 2015. Collection method: clinical testing. Allele origin: germline.
Comment: The PCNT c.9553G>A variant is predicted to result in the amino acid substitution p.Glu3185Lys. To our knowledge, this variant has not been reported in the literature. This variant is reported in 0.0031% of alleles in individuals of European (non-Finnish) descent in gnomAD. At this time, the clinical significance of this variant is uncertain due to the absence of conclusive functional and genetic evidence.

Labcorp Genetics (formerly Invitae), Labcorp
Classification: Uncertain significance. Last evaluated: 2021-08-28. Review status: criteria provided, single submitter. Criteria: Invitae Variant Classification Sherloc (09022015). Collection method: clinical testing. Allele origin: germline.
Comment: This sequence change replaces glutamic acid with lysine at codon 3185 of the PCNT protein (p.Glu3185Lys). The glutamic acid residue is weakly conserved and there is a small physicochemical difference between glutamic acid and lysine. This variant is present in population databases (rs375163327, ExAC 0.004%). This variant has not been reported in the literature in individuals affected with PCNT-related conditions. Algorithms developed to predict the effect of missense changes on protein structure and function are either unavailable or do not agree on the potential impact of this missense change (SIFT: "Tolerated"; PolyPhen-2: "Possibly Damaging"; Align-GVGD: "Class C0"). In summary, the available evidence is currently insufficient to determine the role of this variant in disease. Therefore, it has been classified as a Variant of Uncertain Significance.

NM_006031.6(PCNT):c.9553G>A (p.Glu3185Lys)

Gene: PCNT (pericentrin; plus strand). Cytogenetic location: 21q22.3.
Variant type: single nucleotide variant.
Coding change: c.9553G>A on transcript NM_006031.6 (MANE Select); coding-DNA position 9553, G replaced by A.
Protein change: p.Glu3185Lys; replaces glutamic acid 3185 with lysine.
Molecular consequence: missense variant.
Genome position (GRCh38, 1-based): chr21:46,441,014, G>A. VCF-style: chr21-46441014-G-A. GRCh37 (hg19) VCF-style: chr21-47860927-G-A.
Other names: c.9553G>A (NM_006031.5); c.8962G>A, p.Glu2988Lys (NM_001315529.2); short protein forms E2988K, E3185K.
Identifiers: ClinVar variation 1436418 (VCV001436418.8), dbSNP rs375163327, ClinGen allele CA10081349.